The following is an entry in ClinVar:

NC_000005.9:g.(?_118827775)_(118837807_?)del

Gene: HSD17B4 (hydroxysteroid 17-beta dehydrogenase 4; plus strand). Cytogenetic location: 5q23.1.
Variant type: Deletion.
Identifiers: ClinVar variation 2423043 (VCV002423043.4).

ClinVar aggregate classification (germline): Pathogenic (1 of 4 stars; one submission).

Conditions:
Perrault syndrome. Also called: Gonadal dysgenesis with auditory dysfunction, autosomal recessive inheritance. Identifiers: Orphanet 2855, MedGen C0685838, MONDO:0017312.
Bifunctional peroxisomal enzyme deficiency (DBIF). Also called: DBP DEFICIENCY; D-bifunctional protein deficiency; PBFE DEFICIENCY. Identifiers: Orphanet 300, MedGen C0342870, MONDO:0009855, OMIM 261515. Disease mechanism: loss of function.

Submission:

Labcorp Genetics (formerly Invitae), Labcorp
Classification: Pathogenic for Perrault syndrome; Bifunctional peroxisomal enzyme deficiency. Last evaluated: 2022-05-17. Review status: criteria provided, single submitter. Criteria: Invitae Variant Classification Sherloc (09022015). Collection method: clinical testing. Allele origin: germline.
Comment: This variant is a gross deletion of the genomic region encompassing exon(s) 10-14 of the HSD17B4 gene. This deletion is out-of-frame, and is expected to create a premature termination codon and result in an absent or disrupted protein product. Loss-of-function variants in HSD17B4 are known to be pathogenic (PMID: 11810648, 16385454). This variant has not been reported in the literature in individuals affected with HSD17B4-related conditions. For these reasons, this variant has been classified as Pathogenic.

Literature cited by the submitters: PubMed 11810648; PubMed 16385454.